The following is an entry in ClinVar:

ClinVar aggregate classification (germline): Likely benign (1 of 4 stars; one submission).

Submission:

CeGaT Center for Human Genetics Tuebingen
Classification: Likely benign. Last evaluated: 2026-05-01. Review status: criteria provided, single submitter. Criteria: CeGaT Center For Human Genetics Tuebingen Variant Classification Criteria Version 2. Collection method: clinical testing. Allele origin: germline. Affected: yes. Observed: 1 variant allele.
Comment: AHNAK2: BP4, BP7

NM_138420.4(AHNAK2):c.8760C>G (p.Gly2920=)

Gene: AHNAK2 (AHNAK nucleoprotein 2; minus strand). Cytogenetic location: 14q32.33.
Variant type: single nucleotide variant.
Coding change: c.8760C>G on transcript NM_138420.4 (MANE Select); coding-DNA position 8760, C replaced by G.
Protein change: p.Gly2920=; no amino-acid change (glycine 2920 retained).
Molecular consequence: synonymous variant.
Genome position (GRCh38, 1-based): chr14:104,946,691, G>C on the plus strand (C>G on the coding strand, the complement: AHNAK2 is on the minus strand). VCF-style: chr14-104946691-G-C. GRCh37 (hg19) VCF-style: chr14-105413028-G-C.
Other names: c.8460C>G, p.Gly2820= (NM_001350929.2).
Identifiers: ClinVar variation 4873341 (VCV004873341.2).